The following is an entry in ClinVar:

NM_153816.6(SNX14):c.2803-3T>G

Gene: SNX14 (sorting nexin 14; minus strand). Cytogenetic location: 6q14.3.
Variant type: single nucleotide variant.
Coding change: c.2803-3T>G on transcript NM_153816.6 (MANE Select); 3 bases into the intron before coding-DNA position 2803, T replaced by G.
Molecular consequence: intron variant.
Genome position (GRCh38, 1-based): chr6:85,506,008, A>C on the plus strand (T>G on the coding strand, the complement: SNX14 is on the minus strand). VCF-style: chr6-85506008-A-C. GRCh37 (hg19) VCF-style: chr6-86215726-A-C.
Other names: c.2512-3T>G (NM_001350543.2); c.2644-3T>G (NM_001350539.2, NM_020468.6); c.2515-3T>G (NM_001350542.2); c.2359-3T>G (NM_001350546.2, NM_001350545.2); c.1753-3T>G (NM_001350547.2); c.2503-3T>G (NM_001350544.2); c.1621-3T>G (NM_001350553.2); c.1648-3T>G (NM_001350549.2, NM_001350548.2, NM_001350551.2 and 2 more transcripts); and 11 more.
Identifiers: ClinVar variation 1937424 (VCV001937424.4), dbSNP rs760726532, ClinGen allele CA3911745.

ClinVar aggregate classification (germline): Uncertain significance (1 of 4 stars; one submission).

Allele frequency attached by ClinVar (database versions not stated): ExAC 0.00001.
gnomAD v4.1: 2 of 1,580,154 alleles (0.00013%); highest among the groups gnomAD compares: Admixed American, 0.0033%; no homozygotes.

Submission:

Labcorp Genetics (formerly Invitae), Labcorp
Classification: Uncertain significance. Last evaluated: 2025-09-02. Review status: criteria provided, single submitter. Criteria: Invitae Variant Classification Sherloc (09022015). Collection method: clinical testing. Allele origin: germline.
Comment: This sequence change falls in intron 28 of the SNX14 gene. It does not directly change the encoded amino acid sequence of the SNX14 protein. It affects a nucleotide within the consensus splice site. This variant is present in population databases (rs760726532, gnomAD 0.003%). This variant has not been reported in the literature in individuals affected with SNX14-related conditions. ClinVar contains an entry for this variant (Variation ID: 1937424). Variants that disrupt the consensus splice site are a relatively common cause of aberrant splicing (PMID: 17576681, 9536098). Algorithms developed to predict the effect of sequence changes on RNA splicing suggest that this variant may disrupt the consensus splice site. In summary, the available evidence is currently insufficient to determine the role of this variant in disease. Therefore, it has been classified as a Variant of Uncertain Significance.

Literature cited by the submitters: PubMed 17576681; PubMed 9536098.